The following is an entry in ClinVar:

ClinVar aggregate classification (germline): Uncertain significance (1 of 4 stars; one submission).

Conditions:
BMP7-related disorder. Also called: BMP7-related condition.

Allele frequency attached by ClinVar (database versions not stated): gnomAD exomes below 0.00001; TOPMed below 0.00001; gnomAD 0.00001.
gnomAD v4.1: 5 of 1,612,044 alleles (0.00031%); highest among the groups gnomAD compares: Non-Finnish European, 0.00042%; no homozygotes.

Submission:

PreventionGenetics, part of Exact Sciences
Classification: Uncertain significance for BMP7-related condition. Last evaluated: 2023-01-06. Review status: criteria provided, single submitter. Criteria: ACMG Guidelines, 2015. Collection method: clinical testing. Allele origin: germline.
Comment: The BMP7 c.986C>G variant is predicted to result in the amino acid substitution p.Ala329Gly. To our knowledge, this variant has not been reported in the literature or in a large population database, indicating this variant is rare. At this time, the clinical significance of this variant is uncertain due to the absence of conclusive functional and genetic evidence.

NM_001719.3(BMP7):c.986C>G (p.Ala329Gly)

Gene: BMP7 (bone morphogenetic protein 7; minus strand). Cytogenetic location: 20q13.31.
Variant type: single nucleotide variant.
Coding change: c.986C>G on transcript NM_001719.3 (MANE Select); coding-DNA position 986, C replaced by G.
Protein change: p.Ala329Gly; replaces alanine 329 with glycine.
Molecular consequence: missense variant.
Genome position (GRCh38, 1-based): chr20:57,174,980, G>C on the plus strand (C>G on the coding strand, the complement: BMP7 is on the minus strand). VCF-style: chr20-57174980-G-C. GRCh37 (hg19) VCF-style: chr20-55750036-G-C.
Other names: short protein forms A329G.
Identifiers: ClinVar variation 2629845 (VCV002629845.1), dbSNP rs994051225, ClinGen allele CA316809418.